The following is an entry in ClinVar:

ClinVar aggregate classification (germline): Benign (3 of 4 stars; one submission).

Conditions:
Hereditary thrombocytopenia and hematologic cancer predisposition syndrome. Identifiers: Orphanet 71290, MedGen CN281654, MONDO:0011071.

Submission:

ClinGen Myeloid Malignancy Variant Curation Expert Panel
Classification: Benign for Hereditary thrombocytopenia and hematologic cancer predisposition syndrome. Last evaluated: 2020-05-13. Review status: reviewed by expert panel. Criteria: ClinGen MyeloMalig ACMG Specifications v1. Collection method: curation. Allele origin: germline. Inheritance: Autosomal dominant inheritance.
Comment: The RUNX1 c.*2467dup variant in the 3' UTR has an MAF of 0.006793 (0.68%, 285/41952 alleles) in the African subpopulation of the gnomAD v3 cohort and is >= 0.0015 (0.15%) (BA1). This variant is detected in a homozygous state in 5 individuals in the gnomAD v3 population database (BP2). In summary, this variant meets criteria to be classified as benign. ACMG/AMP criteria applied, as specified by the Myeloid Malignancy Variant Curation Expert Panel for RUNX1: BA1, BP2.

NM_001754.5(RUNX1):c.*2467dup

Gene: RUNX1 (RUNX family transcription factor 1; minus strand). Cytogenetic location: 21q22.12.
Variant type: Duplication.
Coding change: c.*2467dup on transcript NM_001754.5 (MANE Select); 2467 bases downstream of the stop codon, one base duplicated (A; older notation c.*2467dupA).
Molecular consequence: 3 prime UTR variant.
Genome position (GRCh38, 1-based): chr21:34,789,668, T duplicated on the plus strand (A on the coding strand, the reverse complement: RUNX1 is on the minus strand); the first of 8 consecutive T bases (chr21:34,789,668-34,789,675); duplicating any one gives the same sequence. VCF-style (leftmost placement, unchanged base first): chr21-34789667-A-AT. GRCh37 (hg19) VCF-style: chr21-36161964-A-AT.
Other names: c.*2467dup (NM_001754.4, NM_001001890.3).
Identifiers: ClinVar variation 339831 (VCV000339831.6), dbSNP rs200050352, ClinGen allele CA10652915.
Genomic context (GRCh38, chr21:34,789,667, plus strand): 5'-CACACACACACATACAAAAATGTGTTGCGTGAGACCTATCGCCAAAACAACTACAGTTTG[A>AT]TTTTTTTTGAAACAATTAAATACTATATATGCTGGTAAGAGTCTGTGAAACTCTAAATGA-3'